The following is an entry in ClinVar:

NM_006329.4(FBLN5):c.1046T>G (p.Leu349Trp)

Gene: FBLN5 (fibulin 5; minus strand). Cytogenetic location: 14q32.12.
Variant type: single nucleotide variant.
Coding change: c.1046T>G on transcript NM_006329.4 (MANE Select); coding-DNA position 1046, T replaced by G.
Protein change: p.Leu349Trp; replaces leucine 349 with tryptophan.
Molecular consequence: missense variant.
Genome position (GRCh38, 1-based): chr14:91,877,626, A>C on the plus strand (T>G on the coding strand, the complement: FBLN5 is on the minus strand). VCF-style: chr14-91877626-A-C. GRCh37 (hg19) VCF-style: chr14-92343970-A-C.
Other names: c.1169T>G, p.Leu390Trp (NM_001384158.1); c.1097T>G, p.Leu366Trp (NM_001384159.1); c.1046T>G, p.Leu349Trp (NM_001384160.1); c.878T>G, p.Leu293Trp (NM_001384161.1, NM_001384162.1); short protein forms L293W, L349W, L366W, L390W.
Identifiers: ClinVar variation 2771524 (VCV002771524.3), dbSNP rs1889233101, ClinGen allele CA390640919.

ClinVar aggregate classification (germline): Uncertain significance (1 of 4 stars; one submission).

Submission:

Labcorp Genetics (formerly Invitae), Labcorp
Classification: Uncertain significance. Last evaluated: 2023-10-24. Review status: criteria provided, single submitter. Criteria: Invitae Variant Classification Sherloc (09022015). Collection method: clinical testing. Allele origin: germline.
Comment: This sequence change replaces leucine, which is neutral and non-polar, with tryptophan, which is neutral and slightly polar, at codon 349 of the FBLN5 protein (p.Leu349Trp). This variant is not present in population databases (gnomAD no frequency). This variant has not been reported in the literature in individuals affected with FBLN5-related conditions. Advanced modeling of protein sequence and biophysical properties (such as structural, functional, and spatial information, amino acid conservation, physicochemical variation, residue mobility, and thermodynamic stability) has been performed at Invitae for this missense variant, however the output from this modeling did not meet the statistical confidence thresholds required to predict the impact of this variant on FBLN5 protein function. In summary, the available evidence is currently insufficient to determine the role of this variant in disease. Therefore, it has been classified as a Variant of Uncertain Significance.